The following is an entry in ClinVar:

ClinVar aggregate classification (germline): Uncertain significance (1 of 4 stars; one submission).

Conditions:
Hereditary cancer-predisposing syndrome. Also called: Neoplastic Syndromes, Hereditary; Tumor predisposition; Hereditary Cancer Syndrome; Hereditary neoplastic syndrome. Identifiers: Orphanet 140162, MedGen C0027672, MeSH D009386, MONDO:0015356.

Submission:

Ambry Genetics
Classification: Uncertain significance for Hereditary cancer-predisposing syndrome. Last evaluated: 2025-12-01. Review status: criteria provided, single submitter. Criteria: Ambry Variant Classification Scheme 2023. Collection method: clinical testing. Allele origin: germline.
Comment: The p.A1204P variant (also known as c.3610G>C), located in coding exon 10 of the BRCA2 gene, results from a G to C substitution at nucleotide position 3610. The alanine at codon 1204 is replaced by proline, an amino acid with highly similar properties. This amino acid position is conserved. In addition, this alteration is predicted to be tolerated by in silico analysis. Based on the available evidence, the clinical significance of this variant remains unclear.

NM_000059.4(BRCA2):c.3610G>C (p.Ala1204Pro)

Gene: BRCA2 (BRCA2 DNA repair associated; plus strand). Cytogenetic location: 13q13.1.
Variant type: single nucleotide variant.
Coding change: c.3610G>C on transcript NM_000059.4 (MANE Select); coding-DNA position 3610, G replaced by C.
Protein change: p.Ala1204Pro; replaces alanine 1204 with proline.
Molecular consequence: missense variant. On other transcripts: non-coding transcript variant (1), intron variant (2).
Genome position (GRCh38, 1-based): chr13:32,337,965, G>C. VCF-style: chr13-32337965-G-C. GRCh37 (hg19) VCF-style: chr13-32912102-G-C.
Other names: c.3610G>C, p.Ala1204Pro (NM_001406719.1, NM_001406720.1, NM_001432077.1); c.1909+4578G>C (NM_001406721.1); c.425-6593G>C (NM_001406722.1); short protein forms A1204P.
Identifiers: ClinVar variation 4629468 (VCV004629468.1).
Genomic context (GRCh38, chr13:32,337,965, plus strand): 5'-GGTACAGTTGAAATTAAACGGAAGTTTGCTGGCCTGTTGAAAAATGACTGTAACAAAAGT[G>C]CTTCTGGTTATTTAACAGATGAAAATGAAGTGGGGTTTAGGGGCTTTTATTCTGCTCATG-3'
Protein context (NP_000050.3, residues 1194-1214): GLLKNDCNKS[Ala1204Pro]SGYLTDENEV